The following is an entry in ClinVar:

ClinVar aggregate classification (germline): Uncertain significance. Review status: criteria provided, multiple submitters, no conflicts (2 of 4 stars). 3 submissions from 3 submitters: Uncertain significance (3). Last evaluated 2026-01-16.

Conditions:
DICER1-related tumor predisposition. Also called: DICER1-related pleuropulmonary blastoma cancer predisposition syndrome; DICER1 syndrome. Identifiers: Orphanet 284343, MedGen C3839822, MONDO:0100216.
Hereditary cancer-predisposing syndrome. Also called: Hereditary neoplastic syndrome; Neoplastic Syndromes, Hereditary; Tumor predisposition; Hereditary Cancer Syndrome. Identifiers: Orphanet 140162, MedGen C0027672, MeSH D009386, MONDO:0015356.

Allele frequency attached by ClinVar (database versions not stated): gnomAD exomes 0.00002; ExAC 0.00001; gnomAD 0.00001; TOPMed 0.00001.
gnomAD v4.1: 5 of 1,614,044 alleles (0.00031%); highest among the groups gnomAD compares: East Asian, 0.011%; no homozygotes.

Submissions (3):

Labcorp Genetics (formerly Invitae), Labcorp
Classification: Uncertain significance for DICER1-related tumor predisposition. Last evaluated: 2026-01-16. Review status: criteria provided, single submitter. Criteria: Invitae Variant Classification Sherloc (09022015). Collection method: clinical testing. Allele origin: germline.
Comment: This sequence change replaces isoleucine, which is neutral and non-polar, with phenylalanine, which is neutral and non-polar, at codon 37 of the DICER1 protein (p.Ile37Phe). This variant is present in population databases (rs772381832, gnomAD 0.03%). This variant has not been reported in the literature in individuals affected with DICER1-related conditions. ClinVar contains an entry for this variant (Variation ID: 412190). Invitae Evidence Modeling of protein sequence and biophysical properties (such as structural, functional, and spatial information, amino acid conservation, physicochemical variation, residue mobility, and thermodynamic stability) indicates that this missense variant is not expected to disrupt DICER1 protein function with a negative predictive value of 95%. In summary, the available evidence is currently insufficient to determine the role of this variant in disease. Therefore, it has been classified as a Variant of Uncertain Significance.

GeneDx
Classification: Uncertain significance. Last evaluated: 2025-04-14. Review status: criteria provided, single submitter. Criteria: GeneDx Variant Classification Process June 2021. Collection method: clinical testing. Allele origin: germline. Affected: yes.
Comment: Not observed at significant frequency in large population cohorts (gnomAD); In silico analysis indicates that this missense variant does not alter protein structure/function; Identified in an individual with neurodevelopmental disorder and was inherited from an unaffected parent (PMID: 35743796); This variant is associated with the following publications: (PMID: 35743796)

Ambry Genetics
Classification: Uncertain significance for Hereditary cancer-predisposing syndrome. Last evaluated: 2024-11-01. Review status: criteria provided, single submitter. Criteria: Ambry Variant Classification Scheme 2023. Collection method: clinical testing. Allele origin: germline.
Comment: The p.I37F variant (also known as c.109A>T), located in coding exon 1 of the DICER1 gene, results from an A to T substitution at nucleotide position 109. The isoleucine at codon 37 is replaced by phenylalanine, an amino acid with highly similar properties. This amino acid position is highly conserved in available vertebrate species. In addition, the in silico prediction for this alteration is inconclusive. Based on the available evidence, the clinical significance of this variant remains unclear.

NM_177438.3(DICER1):c.109A>T (p.Ile37Phe)

Gene: DICER1 (dicer 1, ribonuclease III; minus strand). Cytogenetic location: 14q32.13.
Variant type: single nucleotide variant.
Coding change: c.109A>T on transcript NM_177438.3 (MANE Select); coding-DNA position 109, A replaced by T.
Protein change: p.Ile37Phe; replaces isoleucine 37 with phenylalanine.
Molecular consequence: missense variant.
Genome position (GRCh38, 1-based): chr14:95,133,350, T>A on the plus strand (A>T on the coding strand, the complement: DICER1 is on the minus strand). VCF-style: chr14-95133350-T-A. GRCh37 (hg19) VCF-style: chr14-95599687-T-A.
Other names: c.109A>T, p.Ile37Phe (NM_001195573.1, NM_001271282.3, NM_001291628.2 and 1 more transcripts); short protein forms I37F.
Identifiers: ClinVar variation 412190 (VCV000412190.14), dbSNP rs772381832, ClinGen allele CA7331745.